The following is an entry in ClinVar:

NM_004408.4(DNM1):c.416G>C (p.Gly139Ala)

Genes: DNM1 (dynamin 1; plus strand), LOC113839516 (Sharpr-MPRA regulatory region 8497; plus strand). Cytogenetic location: 9q34.11.
Variant type: single nucleotide variant.
Coding change: c.416G>C on transcript NM_004408.4 (MANE Select); coding-DNA position 416, G replaced by C.
Protein change: p.Gly139Ala; replaces glycine 139 with alanine.
Molecular consequence: missense variant.
Genome position (GRCh38, 1-based): chr9:128,219,079, G>C. VCF-style: chr9-128219079-G-C. GRCh37 (hg19) VCF-style: chr9-130981358-G-C.
Other names: c.416G>C, p.Gly139Ala (NM_001005336.3, NM_001288737.2, NM_001288738.2 and 2 more transcripts); short protein forms G139A.
Identifiers: ClinVar variation 2729722 (VCV002729722.3), dbSNP rs1554772913, ClinGen allele CA375010930.

ClinVar aggregate classification (germline): Pathogenic (1 of 4 stars; one submission).

Conditions:
Developmental and epileptic encephalopathy, 31A. Also called: Epileptic encephalopathy, early infantile, 31; Developmental and epileptic encephalopathy, 31. Identifiers: Orphanet 2382, MedGen C4225357, MONDO:0014598, OMIM 616346.

Submission:

Labcorp Genetics (formerly Invitae), Labcorp
Classification: Pathogenic for Developmental and epileptic encephalopathy, 31A. Last evaluated: 2026-01-26. Review status: criteria provided, single submitter. Criteria: Invitae Variant Classification Sherloc (09022015). Collection method: clinical testing. Allele origin: germline.
Comment: This sequence change replaces glycine, which is neutral and non-polar, with alanine, which is neutral and non-polar, at codon 139 of the DNM1 protein (p.Gly139Ala). This variant is not present in population databases (gnomAD no frequency). This missense change has been observed in individual(s) with clinical features of autosomal dominant DNM1-related conditions (internal data). In at least one individual the variant was observed to be de novo. ClinVar contains an entry for this variant (Variation ID: 2729722). Invitae Evidence Modeling of protein sequence and biophysical properties (such as structural, functional, and spatial information, amino acid conservation, physicochemical variation, residue mobility, and thermodynamic stability) indicates that this missense variant is expected to disrupt DNM1 protein function with a positive predictive value of 80%. For these reasons, this variant has been classified as Pathogenic.